The following is an entry in ClinVar:

ClinVar aggregate classification (germline): Uncertain significance (1 of 4 stars; one submission).

Conditions:
Duchenne muscular dystrophy (DMD). Also called: Duchenne Muscular Dystrophy (DMD); MUSCULAR DYSTROPHY, PSEUDOHYPERTROPHIC PROGRESSIVE, DUCHENNE TYPE. Identifiers: Orphanet 98896, MedGen C0013264, MONDO:0010679, OMIM 310200.

Submission:

Labcorp Genetics (formerly Invitae), Labcorp
Classification: Uncertain significance for Duchenne muscular dystrophy. Last evaluated: 2022-08-22. Review status: criteria provided, single submitter. Criteria: Invitae Variant Classification Sherloc (09022015). Collection method: clinical testing. Allele origin: germline.
Comment: This variant results in a copy number gain of the genomic region encompassing exon(s) 63-79 of the DMD gene. This region includes the termination codon of the gene. This copy number gain extends beyond the assayed region for this gene and therefore may encompass additional genes. As the precise location of this event is unknown, it may be in tandem or it may be located elsewhere in the genome. This variant has not been reported in the literature in individuals affected with DMD-related conditions. Experimental studies and prediction algorithms are not available or were not evaluated, and the functional significance of this variant is currently unknown. In summary, the available evidence is currently insufficient to determine the role of this variant in disease. Therefore, it has been classified as a Variant of Uncertain Significance.

NC_000023.10:g.(?_31140036)_(31279781_?)dup

Gene: DMD (dystrophin; minus strand). Cytogenetic location: Xp21.2.
Variant type: Duplication.
Identifiers: ClinVar variation 2424867 (VCV002424867.4).